The following is an entry in ClinVar:

ClinVar aggregate classification (germline): Uncertain significance. Review status: criteria provided, multiple submitters, no conflicts (2 of 4 stars). 2 submissions from 2 submitters: Uncertain significance (2). Last evaluated 2025-12-08.

Conditions:
Neutropenia, severe congenital, 2, autosomal dominant. Identifiers: Orphanet 486, MedGen C2751288, MONDO:0013139, OMIM 613107.
GFI1-related disorder. Also called: GFI1-related condition.

Allele frequency attached by ClinVar (database versions not stated): gnomAD exomes below 0.00001; ExAC 0.00001.
gnomAD v4.1: 7 of 1,614,098 alleles (0.00043%); highest among the groups gnomAD compares: South Asian, 0.0022%; no homozygotes.

Submissions (2):

PreventionGenetics, part of Exact Sciences
Classification: Uncertain significance for GFI1-related condition. Last evaluated: 2025-12-08. Review status: criteria provided, single submitter. Criteria: ACMG Guidelines, 2015. Collection method: clinical testing. Allele origin: germline.
Comment: The GFI1 c.1244G>A variant is predicted to result in the amino acid substitution p.Arg415Gln. To our knowledge, this variant has not been reported in the literature. This variant is reported in 0.0033% of alleles in individuals of South Asian descent in gnomAD. At this time, the clinical significance of this variant is uncertain due to the absence of conclusive functional and genetic evidence.

Labcorp Genetics (formerly Invitae), Labcorp
Classification: Uncertain significance for Neutropenia, severe congenital, 2, autosomal dominant. Last evaluated: 2025-09-22. Review status: criteria provided, single submitter. Criteria: Invitae Variant Classification Sherloc (09022015). Collection method: clinical testing. Allele origin: germline.
Comment: This sequence change replaces arginine, which is basic and polar, with glutamine, which is neutral and polar, at codon 415 of the GFI1 protein (p.Arg415Gln). This variant is present in population databases (rs770564130, gnomAD 0.003%). This variant has not been reported in the literature in individuals affected with GFI1-related conditions. ClinVar contains an entry for this variant (Variation ID: 2789304). Invitae Evidence Modeling of protein sequence and biophysical properties (such as structural, functional, and spatial information, amino acid conservation, physicochemical variation, residue mobility, and thermodynamic stability) indicates that this missense variant is not expected to disrupt GFI1 protein function with a negative predictive value of 80%. In summary, the available evidence is currently insufficient to determine the role of this variant in disease. Therefore, it has been classified as a Variant of Uncertain Significance.

NM_005263.5(GFI1):c.1244G>A (p.Arg415Gln)

Gene: GFI1 (growth factor independent 1 transcriptional repressor; minus strand). Cytogenetic location: 1p22.1.
Variant type: single nucleotide variant.
Coding change: c.1244G>A on transcript NM_005263.5 (MANE Select); coding-DNA position 1244, G replaced by A.
Protein change: p.Arg415Gln; replaces arginine 415 with glutamine.
Molecular consequence: missense variant.
Genome position (GRCh38, 1-based): chr1:92,476,054, C>T on the plus strand (G>A on the coding strand, the complement: GFI1 is on the minus strand). VCF-style: chr1-92476054-C-T. GRCh37 (hg19) VCF-style: chr1-92941611-C-T.
Other names: c.1244G>A, p.Arg415Gln (NM_001127215.3, NM_001127216.3); short protein forms R415Q.
Identifiers: ClinVar variation 2789304 (VCV002789304.4), dbSNP rs770564130, ClinGen allele CA951218.
Genomic context (GRCh38, chr1:92,476,054, plus strand): 5'-GTTGTGTAGCTGCTGCTTGCAGCCAGCCAGGGTGCTCATTTGAGCCCATGCTGCGTCTCC[C>T]GGTGCCTTCGGAGGTCCACCTTCCTCTGGAAACCCTTCCCACAGAGGTCGCAGCCGAAGG-3'
Protein context (NP_005254.2, residues 405-422): FQRKVDLRRH[Arg415Gln]ETQHGLK